The following is an entry in ClinVar:

ClinVar aggregate classification (germline): Likely benign. Review status: criteria provided, single submitter (1 of 4 stars). 2 submissions from 2 submitters: Likely benign (1). 1 of the submissions does not count toward it. Last evaluated 2026-04-14.

Conditions:
ABCB4-related disorder. Also called: ABCB4-related disorders; ABCB4-related condition.
Low phospholipid associated cholelithiasis (GBD1). Also called: Gallbladder disease 1; Gallstone cholecystitis. Identifiers: Orphanet 69663, MedGen C2609268, MONDO:0010939, OMIM 600803.
Familial intrahepatic cholestasis. Identifiers: Orphanet 284385, MedGen CN296401, MONDO:0017290.

Allele frequency attached by ClinVar (database versions not stated): gnomAD exomes 0.00001; ExAC 0.00002; gnomAD 0.00003; ESP Exome Variant Server 0.00008; TOPMed 0.00007.
gnomAD v4.1: 13 of 1,613,588 alleles (0.00081%); highest among the groups gnomAD compares: African/African-American, 0.0093%; no homozygotes.

Submissions (2):

Genomenon, Inc
Classification: Likely benign for Familial intrahepatic cholestasis; Low phospholipid associated cholelithiasis. Last evaluated: 2026-04-14. Review status: criteria provided, single submitter. Criteria: Genomenon Sequence Variant Interpretation Standards - Updated. Collection method: curation. Allele origin: germline. Affected: no.
Comment: ABCB4 c.2064T>C is a synonymous variant that retains Leucine at residue 688. This variant has been reported in the published literature (PMID:28733223). It is absent or not present at a significant frequency in gnomAD. This synonymous variant is not predicted to impact splicing. In conclusion, we classify ABCB4 p.Leu688= (c.2064T>C) as a likely benign variant.

PreventionGenetics, part of Exact Sciences
Classification: Likely benign for ABCB4-related condition. Last evaluated: 2023-07-26. Review status: no assertion criteria provided. Collection method: clinical testing. Allele origin: germline. Not counted in ClinVar's aggregate classification.
Comment: This variant is classified as likely benign based on ACMG/AMP sequence variant interpretation guidelines (Richards et al. 2015 PMID: 25741868, with internal and published modifications).

Literature cited by the submitters: PubMed 28733223 (cited by Genomenon, Inc).

NM_000443.4(ABCB4):c.2064T>C (p.Leu688=)

Gene: ABCB4 (ATP binding cassette subfamily B member 4; minus strand). Cytogenetic location: 7q21.12.
Variant type: single nucleotide variant.
Coding change: c.2064T>C on transcript NM_000443.4 (MANE Select); coding-DNA position 2064, T replaced by C.
Protein change: p.Leu688=; no amino-acid change (leucine 688 retained).
Molecular consequence: synonymous variant.
Genome position (GRCh38, 1-based): chr7:87,426,750, A>G on the plus strand (T>C on the coding strand, the complement: ABCB4 is on the minus strand). VCF-style: chr7-87426750-A-G. GRCh37 (hg19) VCF-style: chr7-87056066-A-G.
Other names: c.2064T>C, p.Leu688= (NM_018849.3, NM_018850.3).
Identifiers: ClinVar variation 3037030 (VCV003037030.3), dbSNP rs375846939, ClinGen allele CA4327135.